The following is an entry in ClinVar:

ClinVar aggregate classification (germline): Conflicting classifications of pathogenicity. Review status: criteria provided, conflicting classifications (1 of 4 stars). 2 submissions from 2 submitters: Uncertain significance (1); Likely benign (1). Last evaluated 2025-12-14.

Conditions:
Inborn genetic diseases. Identifiers: MedGen C0950123, MeSH D030342.

Allele frequency attached by ClinVar (database versions not stated): gnomAD exomes below 0.00001; ExAC 0.00005; gnomAD 0.00013; ESP Exome Variant Server 0.00015; TOPMed 0.00015; 1000 Genomes Project 30x 0.00016; 1000 Genomes Project 0.00020.
gnomAD v4.1: 29 of 1,614,082 alleles (0.0018%); highest among the groups gnomAD compares: African/African-American, 0.031%; 1 homozygote.

Submissions (2):

Labcorp Genetics (formerly Invitae), Labcorp
Classification: Uncertain significance. Last evaluated: 2025-12-14. Review status: criteria provided, single submitter. Criteria: Invitae Variant Classification Sherloc (09022015). Collection method: clinical testing. Allele origin: germline.
Comment: This sequence change replaces histidine, which is basic and polar, with arginine, which is basic and polar, at codon 99 of the CDH2 protein (p.His99Arg). This variant is present in population databases (rs113785794, gnomAD 0.04%). This variant has not been reported in the literature in individuals affected with CDH2-related conditions. ClinVar contains an entry for this variant (Variation ID: 2200269). An algorithm developed to predict the effect of missense changes on protein structure and function outputs the following: PolyPhen-2: "Benign". The arginine amino acid residue is found in multiple mammalian species, which suggests that this missense change does not adversely affect protein function. In summary, the available evidence is currently insufficient to determine the role of this variant in disease. Therefore, it has been classified as a Variant of Uncertain Significance.

Ambry Genetics
Classification: Likely benign for Inborn genetic diseases. Last evaluated: 2025-06-10. Review status: criteria provided, single submitter. Criteria: Ambry Variant Classification Scheme 2023. Collection method: clinical testing. Allele origin: germline.

NM_001792.5(CDH2):c.296A>G (p.His99Arg)

Gene: CDH2 (cadherin 2; minus strand). Cytogenetic location: 18q12.1.
Variant type: single nucleotide variant.
Coding change: c.296A>G on transcript NM_001792.5 (MANE Select); coding-DNA position 296, A replaced by G.
Protein change: p.His99Arg; replaces histidine 99 with arginine.
Molecular consequence: missense variant.
Genome position (GRCh38, 1-based): chr18:28,013,786, T>C on the plus strand (A>G on the coding strand, the complement: CDH2 is on the minus strand). VCF-style: chr18-28013786-T-C. GRCh37 (hg19) VCF-style: chr18-25593750-T-C.
Other names: c.203A>G, p.His68Arg (NM_001308176.2); c.296A>G (NM_001792.3); short protein forms H68R, H99R.
Identifiers: ClinVar variation 2200269 (VCV002200269.5), dbSNP rs113785794, ClinGen allele CA8923731.